The following is an entry in ClinVar:

ClinVar aggregate classification (germline): Likely pathogenic (3 of 4 stars; one submission).

Conditions:
Glanzmann thrombasthenia. Also called: THROMBASTHENIA OF GLANZMANN AND NAEGELI; BLEEDING DISORDER, PLATELET-TYPE, 2; Thrombasthenia; PLATELET GLYCOPROTEIN IIb-IIIa DEFICIENCY; Glanzmann's thrombasthenia. Identifiers: Orphanet 849, MedGen C0040015, MONDO:0100326.

Allele frequency attached by ClinVar (database versions not stated): gnomAD exomes below 0.00001.

Submission:

ClinGen Platelet Disorders Variant Curation Expert Panel, ClinGen
Classification: Likely pathogenic for Glanzmann thrombasthenia. Last evaluated: 2024-10-15. Review status: reviewed by expert panel. Criteria: ClinGen Platelet ACMG Specifications v2-1. Collection method: curation. Allele origin: germline. Inheritance: Autosomal recessive inheritance.
Comment: The NM_000419.5(ITGA2B):c.659A>G (p.Tyr220Cys) has been identified in at least 2 probands, including GT35 of PMID: 29675921 meeting the criteria for PP4_strong criteria. Patient GT35 of PMID: 29675921 is compound heterozygous for Tyr220Cys and c.625-1G>A (classified Pathogenic by the PD-EP) and Patient 436 of the GT database is compound heterozygous for Tyr220Cys and Ala271Gly (classified VUS by the PD-EP), Pt 3 of PMID: 36672149 is homozygous (PM3). The highest population minor allele frequency in gnomAD v2.1.1 is 0.00003266 (1/30614alleles) in the South Asian population, which is lower than the ClinGen PD VCEP threshold (<0.0001) for PM2_Supporting, meeting this criterion (PM2_Supporting). In summary, this variant meets the criteria to be classified as Likely Pathogenic for autosomal recessive Glanzmann Thrombasthenia based on the ACMG/AMP criteria applied, as specified by the ClinGen PD VCEP: PM2_supporting, PM3, PP4_strong. (VCEP specifications version 2)

NM_000419.5(ITGA2B):c.659A>G (p.Tyr220Cys)

Gene: ITGA2B (integrin subunit alpha 2b; minus strand). Cytogenetic location: 17q21.31.
Variant type: single nucleotide variant.
Coding change: c.659A>G on transcript NM_000419.5 (MANE Select); coding-DNA position 659, A replaced by G.
Protein change: p.Tyr220Cys; replaces tyrosine 220 with cysteine.
Molecular consequence: missense variant.
Genome position (GRCh38, 1-based): chr17:44,385,175, T>C on the plus strand (A>G on the coding strand, the complement: ITGA2B is on the minus strand). VCF-style: chr17-44385175-T-C. GRCh37 (hg19) VCF-style: chr17-42462543-T-C.
Other names: NM_000419.5:c.659A>G; short protein forms Y220C.
Identifiers: ClinVar variation 1330345 (VCV001330345.2), dbSNP rs1355838837, ClinGen allele CA399805484.